The following is an entry in ClinVar:

ClinVar aggregate classification (germline): Uncertain significance (1 of 4 stars; one submission).

gnomAD v4.1: 12 of 1,612,886 alleles (0.00074%); highest among the groups gnomAD compares: Non-Finnish European, 0.001%; no homozygotes.

Submission:

Labcorp Genetics (formerly Invitae), Labcorp
Classification: Uncertain significance. Last evaluated: 2025-04-23. Review status: criteria provided, single submitter. Criteria: Invitae Variant Classification Sherloc (09022015). Collection method: clinical testing. Allele origin: germline.
Comment: This sequence change replaces isoleucine, which is neutral and non-polar, with serine, which is neutral and polar, at codon 376 of the FGFR3 protein (p.Ile376Ser). This variant is not present in population databases (gnomAD no frequency). This variant has not been reported in the literature in individuals affected with FGFR3-related conditions. ClinVar contains an entry for this variant (Variation ID: 3677669). Invitae Evidence Modeling of protein sequence and biophysical properties (such as structural, functional, and spatial information, amino acid conservation, physicochemical variation, residue mobility, and thermodynamic stability) has been performed for this missense variant. However, the output from this modeling did not meet the statistical confidence thresholds required to predict the impact of this variant on FGFR3 protein function. In summary, the available evidence is currently insufficient to determine the role of this variant in disease. Therefore, it has been classified as a Variant of Uncertain Significance.

NM_000142.5(FGFR3):c.1127T>G (p.Ile376Ser)

Gene: FGFR3 (fibroblast growth factor receptor 3; plus strand). Cytogenetic location: 4p16.3.
Variant type: single nucleotide variant.
Coding change: c.1127T>G on transcript NM_000142.5 (MANE Select); coding-DNA position 1127, T replaced by G.
Protein change: p.Ile376Ser; replaces isoleucine 376 with serine.
Molecular consequence: missense variant. On other transcripts: non-coding transcript variant (1), intron variant (1).
Genome position (GRCh38, 1-based): chr4:1,804,381, T>G. VCF-style: chr4-1804381-T-G. GRCh37 (hg19) VCF-style: chr4-1806108-T-G.
Other names: c.1133T>G, p.Ile378Ser (NM_001163213.2); c.1127T>G, p.Ile376Ser (NM_001354809.2, NM_001354810.2); c.931-443T>G (NM_022965.4); short protein forms I378S, I376S.
Identifiers: ClinVar variation 3677669 (VCV003677669.2).